The following is an entry in ClinVar:

ClinVar aggregate classification (germline): Conflicting classifications of pathogenicity. Review status: criteria provided, conflicting classifications (1 of 4 stars). 4 submissions from 4 submitters: Uncertain significance (2); Benign (1). 1 of the submissions does not count toward it. Last evaluated 2025-06-30.

Conditions:
Junctional epidermolysis bullosa with pyloric atresia. Also called: ITGB4-Related Epidermolysis Bullosa with Pyloric Atresia; ITGA6-Related Epidermolysis Bullosa with Pyloric Atresia; EPIDERMOLYSIS BULLOSA, JUNCTIONAL 5B, WITH PYLORIC ATRESIA; APLASIA CUTIS CONGENITA WITH GASTROINTESTINAL ATRESIA; CARMI SYNDROME; EB-PA-ACC. Identifiers: Orphanet 79403, MedGen C5676875, MONDO:0009183, OMIM 226730.
Epidermolysis bullosa, junctional 5A, intermediate. Also called: EPIDERMOLYSIS BULLOSA, JUNCTIONAL 5A, GENERALIZED INTERMEDIATE; EPIDERMOLYSIS BULLOSA, JUNCTIONAL 5A, NON-HERLITZ TYPE. Identifiers: MedGen C5676956, MONDO:0030768, OMIM 619816.
ITGB4-related disorder. Also called: ITGB4-related condition.

Allele frequency attached by ClinVar (database versions not stated): gnomAD exomes 0.00011 and 0.00018; ExAC 0.00025; gnomAD 0.00028 and 0.00029; 1000 Genomes Project 30x 0.00031; TOPMed 0.00047; ESP Exome Variant Server 0.00054.
gnomAD v4.1: 214 of 1,611,618 alleles (0.013%); highest among the groups gnomAD compares: Admixed American, 0.045%; 1 homozygote.

Submissions (5):

Labcorp Genetics (formerly Invitae), Labcorp
Classification: Benign. Last evaluated: 2025-06-30. Review status: criteria provided, single submitter. Criteria: Invitae Variant Classification Sherloc (09022015). Collection method: clinical testing. Allele origin: germline.

Fulgent Genetics
Classification: Uncertain significance for Junctional epidermolysis bullosa with pyloric atresia; Epidermolysis bullosa, junctional 5A, intermediate. Last evaluated: 2022-04-02. Review status: criteria provided, single submitter. Criteria: ACMG Guidelines, 2015. Collection method: clinical testing. Allele origin: unknown.

Illumina Laboratory Services, Illumina
Classification: Uncertain significance for Junctional epidermolysis bullosa with pyloric atresia. Last evaluated: 2018-01-13. Review status: criteria provided, single submitter. Criteria: ICSL Variant Classification Criteria 13 December 2019. Collection method: clinical testing. Allele origin: germline.

PreventionGenetics, part of Exact Sciences
Classification: Likely benign for ITGB4-related condition. Last evaluated: 2024-08-07. Review status: no assertion criteria provided. Collection method: clinical testing. Allele origin: germline. Not counted in ClinVar's aggregate classification.
Comment: This variant is classified as likely benign based on ACMG/AMP sequence variant interpretation guidelines (Richards et al. 2015 PMID: 25741868, with internal and published modifications).

Dr. Peter K. Rogan Lab, Western University
No classification provided (evidence only). Condition: Thyroid cancer, nonmedullary, 1. Review status: no classification provided. Collection method: in vitro. Allele origin: not applicable. Functional consequence: skipped exon, retained intron. Not counted in ClinVar's aggregate classification.

NM_000213.5(ITGB4):c.3057C>T (p.Gly1019=)

Gene: ITGB4 (integrin subunit beta 4; plus strand). Cytogenetic location: 17q25.1.
Variant type: single nucleotide variant.
Coding change: c.3057C>T on transcript NM_000213.5 (MANE Select); coding-DNA position 3057, C replaced by T.
Protein change: p.Gly1019=; no amino-acid change (glycine 1019 retained).
Molecular consequence: synonymous variant.
Genome position (GRCh38, 1-based): chr17:75,743,807, C>T. VCF-style: chr17-75743807-C-T. GRCh37 (hg19) VCF-style: chr17-73739888-C-T.
Other names: c.3057C>T (NM_000213.4); c.3057C>T, p.Gly1019= (NM_001005619.2, NM_001005731.3, NM_001321123.2).
Identifiers: ClinVar variation 325174 (VCV000325174.11), dbSNP rs139146525, ClinGen allele CA8769683.
Genomic context (GRCh38, chr17:75,743,807, plus strand): 5'-CTCGGTCAGCCGCGGGGACCAGGTGGCCCGCATCCCTGTCATCCGGCGTGTCCTGGACGG[C>T]GGGAAGTCCCAGGTCTCCTACCGCACACAGGATGGCACCGCGCAGGGCAACCGGGTGAGG-3'
Protein context (NP_000204.3, residues 1009-1029): RIPVIRRVLD[Gly1019=]GKSQVSYRTQ